The following is an entry in ClinVar:

ClinVar aggregate classification (germline): Pathogenic. Review status: reviewed by expert panel (3 of 4 stars). 4 submissions from 4 submitters: Pathogenic (1). 3 of the submissions do not count toward it. Last evaluated 2016-10-18.

Conditions:
Hereditary cancer-predisposing syndrome. Also called: Hereditary Cancer Syndrome; Hereditary neoplastic syndrome; Neoplastic Syndromes, Hereditary; Tumor predisposition. Identifiers: Orphanet 140162, MedGen C0027672, MeSH D009386, MONDO:0015356.
Breast-ovarian cancer, familial, susceptibility to, 1 (BROVCA1). Also called: BRCA1 Hereditary Breast and Ovarian Cancer; OVARIAN CANCER, SUSCEPTIBILITY TO. Identifiers: Orphanet 145, MedGen C2676676, MONDO:0011450, OMIM 604370. Disease mechanism: loss of function.

Submissions (4):

Evidence-based Network for the Interpretation of Germline Mutant Alleles (ENIGMA)
Classification: Pathogenic for Breast-ovarian cancer, familial, susceptibility to, 1. Last evaluated: 2016-10-18. Review status: reviewed by expert panel. Criteria: ENIGMA BRCA1/2 Classification Criteria (2015). Collection method: curation. Allele origin: germline.
Comment: Variant allele predicted to encode a truncated non-functional protein.

Ambry Genetics
Classification: Pathogenic for Hereditary cancer-predisposing syndrome. Last evaluated: 2026-01-21. Review status: criteria provided, single submitter. Criteria: Ambry Variant Classification Scheme 2023. Collection method: clinical testing. Allele origin: germline. Not counted in ClinVar's aggregate classification.
Comment: The c.3756_3757delGT pathogenic mutation, located in coding exon 9 of the BRCA1 gene, results from a deletion of two nucleotides at nucleotide positions 3756 to 3757, causing a translational frameshift with a predicted alternate stop codon (p.S1253*). This variant is considered to be rare based on population cohorts in the Genome Aggregation Database (gnomAD). This alteration is expected to result in loss of function by premature protein truncation or nonsense-mediated mRNA decay. As such, this alteration is interpreted as a disease-causing mutation.

Myriad Genetics, Inc.
Classification: Pathogenic for Breast-ovarian cancer, familial, susceptibility to, 1. Last evaluated: 2024-03-29. Review status: criteria provided, single submitter. Criteria: Myriad Autosomal Dominant, Autosomal Recessive and X-Linked Classification Criteria (2023). Collection method: clinical testing. Allele origin: unknown. Not counted in ClinVar's aggregate classification.
Comment: This variant is considered pathogenic. This variant creates a termination codon and is predicted to result in premature protein truncation.

Consortium of Investigators of Modifiers of BRCA1/2 (CIMBA), c/o University of Cambridge
Classification: Pathogenic for Breast-ovarian cancer, familial, susceptibility to, 1. Last evaluated: 2015-10-02. Review status: criteria provided, single submitter. Criteria: CIMBA Mutation Classification guidelines May 2016. Collection method: clinical testing. Allele origin: germline. Not counted in ClinVar's aggregate classification.

NM_007294.4(BRCA1):c.3756_3757del (p.Leu1252_Ser1253insTer)

Genes: BRCA1 (BRCA1 DNA repair associated; minus strand), LOC126862571 (BRD4-independent group 4 enhancer GRCh37_chr17:41243136-41244335; plus strand). Cytogenetic location: 17q21.31.
Variant type: Deletion.
Coding change: c.3756_3757del on transcript NM_007294.4 (MANE Select); coding-DNA positions 3756 to 3757, 2 bases deleted (GT; older notation c.3756_3757delGT).
Protein change: p.Leu1252_Ser1253insTer.
Molecular consequence: frameshift variant. On other transcripts: intron variant (135), nonsense (1).
Genome position (GRCh38, 1-based): chr17:43,091,774-43,091,775, AC deleted on the plus strand (GT on the coding strand, the reverse complement: BRCA1 is on the minus strand); deleting any 2 consecutive bases within chr17:43,091,774-43,091,776 gives the same sequence; the c. name uses the placement nearest the transcript's 3' end. VCF-style (leftmost placement, unchanged base first): chr17-43091773-GAC-G. GRCh37 (hg19) VCF-style: chr17-41243790-GAC-G.
Other names: 3875_3876delGT; c.3753_3754del, p.Leu1251_Ser1252insTer (NM_001407630.1, NM_001407631.1, NM_001407632.1 and 22 more transcripts); c.3756_3757del, p.Leu1252_Ser1253insTer (NM_001407639.1, NM_001407640.1, NM_001407641.1 and 30 more transcripts); c.3747_3748del, p.Leu1249_Ser1250insTer (NM_001407646.1, NM_001407647.1); c.3633_3634del, p.Leu1211_Ser1212insTer (NM_001407648.1, NM_001407664.1, NM_001407665.1 and 19 more transcripts); c.3630_3631del, p.Leu1210_Ser1211insTer (NM_001407649.1, NM_001407670.1, NM_001407671.1 and 11 more transcripts); c.3678_3679del, p.Leu1226_Ser1227insTer (NM_001407653.1, NM_001407654.1, NM_001407655.1 and 4 more transcripts); c.3675_3676del, p.Leu1225_Ser1226insTer (NM_001407659.1, NM_001407660.1, NM_001407661.1 and 1 more transcripts); and 43 more.
Identifiers: ClinVar variation 54989 (VCV000054989.9), dbSNP rs397509099, ClinGen allele CA002406.